The following is an entry in ClinVar:

NM_014727.3(KMT2B):c.2583C>T (p.Ser861=)

Gene: KMT2B (lysine methyltransferase 2B; plus strand). Cytogenetic location: 19q13.12.
Variant type: single nucleotide variant.
Coding change: c.2583C>T on transcript NM_014727.3 (MANE Select); coding-DNA position 2583, C replaced by T.
Protein change: p.Ser861=; no amino-acid change (serine 861 retained).
Molecular consequence: synonymous variant.
Genome position (GRCh38, 1-based): chr19:35,722,579, C>T. VCF-style: chr19-35722579-C-T. GRCh37 (hg19) VCF-style: chr19-36213481-C-T.
Identifiers: ClinVar variation 1969467 (VCV001969467.9), dbSNP rs372040879, ClinGen allele CA9384507.

ClinVar aggregate classification (germline): Benign/Likely benign. Review status: criteria provided, multiple submitters, no conflicts (2 of 4 stars). 2 submissions from 2 submitters: Benign (1); Likely benign (1). Last evaluated 2026-03-01.

Allele frequency attached by ClinVar (database versions not stated): gnomAD exomes 0.00002; ExAC 0.00003; ESP Exome Variant Server 0.00008; gnomAD 0.00011; TOPMed 0.00011; 1000 Genomes Project 30x 0.00016; 1000 Genomes Project 0.00020.
gnomAD v4.1: 42 of 1,607,670 alleles (0.0026%); highest among the groups gnomAD compares: African/African-American, 0.048%; no homozygotes.

Submissions (2):

CeGaT Center for Human Genetics Tuebingen
Classification: Likely benign. Last evaluated: 2026-03-01. Review status: criteria provided, single submitter. Criteria: CeGaT Center For Human Genetics Tuebingen Variant Classification Criteria Version 2. Collection method: clinical testing. Allele origin: germline. Affected: yes. Observed: 1 variant allele.
Comment: KMT2B: BP4, BP7

Labcorp Genetics (formerly Invitae), Labcorp
Classification: Benign. Last evaluated: 2025-05-21. Review status: criteria provided, single submitter. Criteria: Invitae Variant Classification Sherloc (09022015). Collection method: clinical testing. Allele origin: germline.